The following is an entry in ClinVar:

ClinVar aggregate classification (germline): Uncertain significance (1 of 4 stars; one submission).

Submission:

Ambry Genetics
Classification: Uncertain significance. Last evaluated: 2024-01-11. Review status: criteria provided, single submitter. Criteria: Ambry Variant Classification Scheme 2023. Collection method: clinical testing. Allele origin: germline.
Comment: The p.K108I variant (also known as c.323A>T), located in coding exon 1 of the PALLD gene, results from an A to T substitution at nucleotide position 323. The lysine at codon 108 is replaced by isoleucine, an amino acid with dissimilar properties. This amino acid position is conserved. In addition, this alteration is predicted to be tolerated by in silico analysis. Since supporting evidence is limited at this time, the clinical significance of this alteration remains unclear.

NM_001166108.2(PALLD):c.323A>T (p.Lys108Ile)

Gene: PALLD (palladin, cytoskeletal associated protein; plus strand). Cytogenetic location: 4q32.3.
Variant type: single nucleotide variant.
Coding change: c.323A>T on transcript NM_001166108.2 (MANE Select); coding-DNA position 323, A replaced by T.
Protein change: p.Lys108Ile; replaces lysine 108 with isoleucine.
Molecular consequence: missense variant.
Genome position (GRCh38, 1-based): chr4:168,511,827, A>T. VCF-style: chr4-168511827-A-T. GRCh37 (hg19) VCF-style: chr4-169432978-A-T.
Other names: c.323A>T, p.Lys108Ile (NM_016081.4); short protein forms K108I.
Identifiers: ClinVar variation 3226805 (VCV003226805.1), dbSNP rs2531430698, ClinGen allele CA358725369.